The following is an entry in ClinVar:

NM_005359.6(SMAD4):c.-3C>G

Gene: SMAD4 (SMAD family member 4; plus strand). Cytogenetic location: 18q21.2.
Variant type: single nucleotide variant.
Coding change: c.-3C>G on transcript NM_005359.6 (MANE Select); 3 bases upstream of the start codon, C replaced by G.
Molecular consequence: 5 prime UTR variant.
Genome position (GRCh38, 1-based): chr18:51,047,044, C>G. VCF-style: chr18-51047044-C-G. GRCh37 (hg19) VCF-style: chr18-48573414-C-G.
Identifiers: ClinVar variation 486446 (VCV000486446.16), dbSNP rs886053892, ClinGen allele CA629926645.

ClinVar aggregate classification (germline): Uncertain significance. Review status: criteria provided, multiple submitters, no conflicts (2 of 4 stars). 6 submissions from 6 submitters: Uncertain significance (6). Last evaluated 2025-04-07.

Conditions:
Hereditary cancer-predisposing syndrome. Also called: Hereditary neoplastic syndrome; Tumor predisposition; Neoplastic Syndromes, Hereditary; Hereditary Cancer Syndrome. Identifiers: Orphanet 140162, MedGen C0027672, MeSH D009386, MONDO:0015356.
Familial thoracic aortic aneurysm and aortic dissection (TAAD). Also called: Thoracic aortic aneurysms and dissections. Identifiers: Orphanet 91387, MedGen C4707243, MONDO:0019625.
Juvenile polyposis/hereditary hemorrhagic telangiectasia syndrome (JPHT). Also called: Juvenile Polyposis Syndrome / Hereditary Hemorrhagic Telangiectasia (JPS/HHT); JP/HHT SYNDROME; JUVENILE POLYPOSIS WITH HEREDITARY HEMORRHAGIC TELANGIECTASIA; POLYPOSIS, GENERALIZED JUVENILE, WITH PULMONARY ARTERIOVENOUS MALFORMATION; TELANGIECTASIA, HEREDITARY HEMORRHAGIC, WITH JUVENILE POLYPOSIS COLI. Identifiers: Orphanet 2929, MedGen C1832942, MONDO:0008278, OMIM 175050.

Allele frequency attached by ClinVar (database versions not stated): gnomAD exomes 0.00001.
gnomAD v4.1: 10 of 1,612,960 alleles (0.00062%); highest among the groups gnomAD compares: South Asian, 0.0011%; no homozygotes.

Submissions (6):

Color Diagnostics, LLC DBA Color Health
Classification: Uncertain significance for Hereditary cancer-predisposing syndrome. Last evaluated: 2025-04-07. Review status: criteria provided, single submitter. Criteria: ACMG Guidelines, 2015. Collection method: clinical testing. Allele origin: germline.
Comment: This variant is located at the -3 position in the 5' untranslated region of the SMAD4 gene. To our knowledge, functional studies have not been performed for this variant. This variant has been reported in an individual affected with Lynch syndrome-associated cancer and/or polyps (PMID: 25980754). This variant has also been identified in 2/251154 chromosomes in the general population by the Genome Aggregation Database (gnomAD). The available evidence is insufficient to determine the role of this variant in disease conclusively. Therefore, this variant is classified as a Variant of Uncertain Significance.

Quest Diagnostics Nichols Institute San Juan Capistrano
Classification: Uncertain significance. Last evaluated: 2024-12-04. Review status: criteria provided, single submitter. Criteria: Quest Diagnostics criteria. Collection method: clinical testing. Allele origin: unknown.
Comment: The SMAD4 c.-3C>G variant has been reported in the published literature in an individual with suspected Lynch syndrome (PMID: 25980754 (2015)). The frequency of this variant in the general population (Genome Aggregation Database) is uninformative in the assessment of its pathogenicity. Analysis of this variant using software algorithms for the prediction of the effect of nucleotide changes on splicing yielded predictions that this variant does not affect SMAD4 mRNA splicing. Based on the available information, we are unable to determine the clinical significance of this variant.

All of Us Research Program, National Institutes of Health
Classification: Uncertain significance for Juvenile polyposis/hereditary hemorrhagic telangiectasia syndrome. Last evaluated: 2023-10-02. Review status: criteria provided, single submitter. Criteria: ACMG Guidelines, 2015. Collection method: clinical testing. Allele origin: germline. Inheritance: Autosomal dominant inheritance. Observed: 5 variant alleles, 5 heterozygotes.
Comment: This variant is located at the -3 position in the 5' untranslated region of the SMAD4 gene. To our knowledge, functional studies have not been performed for this variant. This variant has been reported in an individual affected with Lynch syndrome-associated cancer and/or polyps (PMID: 25980754). This variant has also been identified in 2/251154 chromosomes in the general population by the Genome Aggregation Database (gnomAD). The available evidence is insufficient to determine the role of this variant in disease conclusively. Therefore, this variant is classified as a Variant of Uncertain Significance.

This study involves interpretation of variants in research participants for the purpose of population health screening. Participant phenotype was not available at the time of variant classification. Additional details can be found in publication PMID: 35346344, PMCID: PMC8962531

Mayo Clinic Laboratories, Mayo Clinic
Classification: Uncertain significance. Last evaluated: 2022-03-08. Review status: criteria provided, single submitter. Criteria: ACMG Guidelines, 2015. Collection method: clinical testing. Allele origin: germline. Observed: 1 variant allele.

Ambry Genetics
Classification: Uncertain significance for Hereditary cancer-predisposing syndrome; Familial thoracic aortic aneurysm and aortic dissection. Last evaluated: 2022-01-11. Review status: criteria provided, single submitter. Criteria: Ambry Variant Classification Scheme 2023. Collection method: clinical testing. Allele origin: germline.
Comment: The c.-3C>G variant is located in the 5' untranslated region (5&rsquo; UTR) of the SMAD4 gene. This variant results from a C to G substitution 3 bases upstream from the first translated codon. This nucleotide position is highly conserved in available vertebrate species. Since supporting evidence is limited at this time, the clinical significance of this alteration remains unclear.

Women's Health and Genetics/Laboratory Corporation of America, LabCorp
Classification: Uncertain significance. Last evaluated: 2018-08-03. Review status: criteria provided, single submitter. Criteria: LabCorp Variant Classification Summary - May 2015. Collection method: clinical testing. Allele origin: germline.
Comment: Variant summary: SMAD4 c.-3C>G is located in the untranslated mRNA region upstream of the initiation codon. 5/5 computational tools predict no significant impact on normal splicing. However, these predictions have yet to be confirmed by functional studies. The variant allele was found at a frequency of 8.1e-06 in 245968 control chromosomes. The available data on variant occurrences in the general population are insufficient to allow any conclusion about variant significance. c.-3C>G has been reported in the literature in individuals affected with Lynch Syndrome. These report(s) do not provide unequivocal conclusions about association of the variant with Juvenile Polyposis Syndrome. At-least one co-occurrence with another pathogenic variant(s) has been reported (BRCA1 c.5266dupC, p.Q1756fs*74) in our laboratory providing supporting evidence for a benign role. To our knowledge, no experimental evidence demonstrating an impact on protein function has been reported. One clinical diagnostic laboratory has submitted clinical-significance assessments for this variant to ClinVar after 2014 without evidence for independent evaluation. One laboratory classified the variant as uncertain significance. Based on the evidence outlined above, the variant was classified as uncertain significance.

Literature cited by the submitters: PubMed 25980754 (cited by 5 submitters).